The following is an entry in ClinVar:

ClinVar aggregate classification (germline): Uncertain significance (1 of 4 stars; one submission).

Allele frequency attached by ClinVar (database versions not stated): gnomAD exomes below 0.00001.

Submission:

Labcorp Genetics (formerly Invitae), Labcorp
Classification: Uncertain significance. Last evaluated: 2023-02-09. Review status: criteria provided, single submitter. Criteria: Invitae Variant Classification Sherloc (09022015). Collection method: clinical testing. Allele origin: germline.
Comment: This sequence change replaces alanine, which is neutral and non-polar, with threonine, which is neutral and polar, at codon 415 of the ATP6AP1 protein (p.Ala415Thr). This variant is present in population databases (no rsID available, gnomAD 0.005%). This variant has not been reported in the literature in individuals affected with ATP6AP1-related conditions. Advanced modeling of protein sequence and biophysical properties (such as structural, functional, and spatial information, amino acid conservation, physicochemical variation, residue mobility, and thermodynamic stability) performed at Invitae indicates that this missense variant is expected to disrupt ATP6AP1 protein function. In summary, the available evidence is currently insufficient to determine the role of this variant in disease. Therefore, it has been classified as a Variant of Uncertain Significance.

NM_001183.6(ATP6AP1):c.1243G>A (p.Ala415Thr)

Gene: ATP6AP1 (ATPase H+ transporting accessory protein 1; plus strand). Cytogenetic location: Xq28.
Variant type: single nucleotide variant.
Coding change: c.1243G>A on transcript NM_001183.6 (MANE Select); coding-DNA position 1243, G replaced by A.
Protein change: p.Ala415Thr; replaces alanine 415 with threonine.
Molecular consequence: missense variant.
Genome position (GRCh38, 1-based): chrX:154,435,721, G>A. VCF-style: chrX-154435721-G-A. GRCh37 (hg19) VCF-style: chrX-153664067-G-A.
Other names: short protein forms A415T.
Identifiers: ClinVar variation 2835714 (VCV002835714.3), dbSNP rs1557197572, ClinGen allele CA415197136.